The following is an entry in ClinVar:

ClinVar aggregate classification (germline): Conflicting classifications of pathogenicity. Review status: criteria provided, conflicting classifications (1 of 4 stars). 13 submissions from 9 submitters: Uncertain significance (5); Benign (3); Likely benign (5). Last evaluated 2026-03-25.

Conditions:
TTN-related disorder. Also called: TTN-related condition; TTN-related disease; TTN-related disorders.
Congenital portosystemic shunt. Identifiers: Orphanet 480531, MedGen C1290495, MONDO:0018811.
Cardiovascular phenotype. Identifiers: MedGen CN230736.
Dilated cardiomyopathy 1G (CMD1G). Identifiers: Orphanet 154, MedGen C1858763, MONDO:0011400, OMIM 604145.
Autosomal recessive limb-girdle muscular dystrophy type 2J (LGMDR10). Also called: Limb-girdle muscular dystrophy, type 2J; MUSCULAR DYSTROPHY, LIMB-GIRDLE, AUTOSOMAL RECESSIVE 10. Identifiers: Orphanet 140922, MedGen C1837342, MONDO:0012127, OMIM 608807.
Tibial muscular dystrophy (TMD). Also called: Udd Distal Myopathy – Tibial Muscular Dystrophy; UDD MYOPATHY; Tibial muscular dystrophy, tardive. Identifiers: Orphanet 609, MedGen C1838244, MONDO:0010870, OMIM 600334.
Myopathy, myofibrillar, 9, with early respiratory failure (MFM9). Also called: Hereditary myopathy with early respiratory failure; EDSTROM MYOPATHY; MYOPATHY, PROXIMAL, WITH EARLY RESPIRATORY MUSCLE INVOLVEMENT; Myopathy, distal, with early respiratory failure, autosomal dominant. Identifiers: Orphanet 178464, Orphanet 34521, MedGen C1863599, MONDO:0011362, OMIM 603689.
Early-onset myopathy with fatal cardiomyopathy (CMYO5). Also called: CONGENITAL MYOPATHY 5 WITH CARDIOMYOPATHY; Salih Myopathy. Identifiers: Orphanet 289377, MedGen C2673677, MONDO:0012714, OMIM 611705. Disease mechanism: loss of function.

Allele frequency attached by ClinVar (database versions not stated): gnomAD 0.00006 and 0.00011; TOPMed 0.00014; gnomAD exomes 0.00034; ExAC 0.00043; 1000 Genomes Project 30x 0.00047; 1000 Genomes Project 0.00060.
gnomAD v4.1: 302 of 1,613,866 alleles (0.019%); highest among the groups gnomAD compares: East Asian, 0.66%; 2 homozygotes.

Submissions (13):

PreventionGenetics, part of Exact Sciences
Classification: Likely benign for TTN-related condition. Last evaluated: 2026-03-25. Review status: criteria provided, single submitter. Criteria: ACMG Guidelines, 2015. Collection method: clinical testing. Allele origin: germline.
Comment: This variant is classified as likely benign based on ACMG/AMP sequence variant interpretation guidelines (Richards et al. 2015 PMID: 25741868, with internal and published modifications).

Department of Pediatrics, Graduate School of Medical Sciences, Kyushu University
Classification: Uncertain significance for Congenital portosystemic shunt. Last evaluated: 2026-02-27. Review status: criteria provided, single submitter. Criteria: ACMG Guidelines, 2015. Collection method: research. Allele origin: germline. Affected: yes.
Comment: Both variants are rare or absent in population databases such as gnomAD, and in silico prediction tools including CADD suggest potential deleterious effects. However, the relationship between this gene and CPSS has not been established. Therefore, the clinical significance of this variant is currently classified as a variant of uncertain significance (VUS).

Labcorp Genetics (formerly Invitae), Labcorp
Classification: Benign for Dilated cardiomyopathy 1G; Autosomal recessive limb-girdle muscular dystrophy type 2J. Last evaluated: 2025-11-09. Review status: criteria provided, single submitter. Criteria: Invitae Variant Classification Sherloc (09022015). Collection method: clinical testing. Allele origin: germline.

Blueprint Genetics
Classification: Likely benign. Last evaluated: 2024-05-08. Review status: criteria provided, single submitter. Criteria: ACMG Guidelines, 2015. Collection method: clinical testing. Allele origin: germline.

Women's Health and Genetics/Laboratory Corporation of America, LabCorp
Classification: Likely benign. Last evaluated: 2023-05-16. Review status: criteria provided, single submitter. Criteria: LabCorp Variant Classification Summary - May 2015. Collection method: clinical testing. Allele origin: germline.
Comment: Variant summary: TTN c.86312C>T (p.Thr28771Ile) results in a non-conservative amino acid change located in the A-band domain of the encoded protein sequence. Three of four in-silico tools predict a damaging effect of the variant on protein function. The variant allele was found at a frequency of 0.00034 in 248650 control chromosomes, predominantly at a frequency of 0.0046 within the East Asian subpopulation in the gnomAD database, including 1 homozygotes. The observed variant frequency within East Asian control individuals in the gnomAD database is approximately 11.77 fold of the estimated maximal expected allele frequency for a pathogenic variant in TTN causing Dilated Cardiomyopathy phenotype (0.00039), strongly suggesting that the variant is a benign polymorphism found primarily in populations of East Asian origin. To our knowledge, no occurrence of c.86312C>T in individuals affected with Dilated Cardiomyopathy and no experimental evidence demonstrating its impact on protein function have been reported. Five clinical diagnostic laboratories have submitted clinical-significance assessments for this variant to ClinVar after 2014 without evidence for independent evaluation. Based on the evidence outlined above, the variant was classified as likely benign.

Illumina Laboratory Services, Illumina
Classification: Benign for Tibial muscular dystrophy. Last evaluated: 2018-01-12. Review status: criteria provided, single submitter. Criteria: ICSL Variant Classification Criteria 13 December 2019. Collection method: clinical testing. Allele origin: germline.
Comment: This variant was observed in the ICSL laboratory as part of a predisposition screen in an ostensibly healthy population. It had not been previously curated by ICSL or reported in the Human Gene Mutation Database (HGMD: prior to June 1st, 2018), and was therefore a candidate for classification through an automated scoring system. Utilizing variant allele frequency, disease prevalence and penetrance estimates, and inheritance mode, an automated score was calculated to assess if this variant is too frequent to cause the disease. Based on the score and internal cut-off values, a variant classified as benign is not then subjected to further curation. The score for this variant resulted in a classification of benign for this disease.

Illumina Laboratory Services, Illumina
Classification: Uncertain significance for Autosomal recessive limb-girdle muscular dystrophy type 2J. Last evaluated: 2018-01-12. Review status: criteria provided, single submitter. Criteria: ICSL Variant Classification Criteria 13 December 2019. Collection method: clinical testing. Allele origin: germline.

Illumina Laboratory Services, Illumina
Classification: Benign for Myopathy, myofibrillar, 9, with early respiratory failure. Last evaluated: 2018-01-12. Review status: criteria provided, single submitter. Criteria: ICSL Variant Classification Criteria 13 December 2019. Collection method: clinical testing. Allele origin: germline.
Comment: the same text as in the submission from Illumina Laboratory Services, Illumina above.

Illumina Laboratory Services, Illumina
Classification: Uncertain significance for Early-onset myopathy with fatal cardiomyopathy. Last evaluated: 2018-01-12. Review status: criteria provided, single submitter. Criteria: ICSL Variant Classification Criteria 13 December 2019. Collection method: clinical testing. Allele origin: germline.

Illumina Laboratory Services, Illumina
Classification: Uncertain significance for Dilated cardiomyopathy 1G. Last evaluated: 2018-01-12. Review status: criteria provided, single submitter. Criteria: ICSL Variant Classification Criteria 13 December 2019. Collection method: clinical testing. Allele origin: germline.

Ambry Genetics
Classification: Likely benign for Cardiovascular phenotype. Last evaluated: 2017-05-10. Review status: criteria provided, single submitter. Criteria: Ambry Variant Classification Scheme 2023. Collection method: clinical testing. Allele origin: germline.

GeneDx
Classification: Likely benign. Last evaluated: 2016-11-18. Review status: criteria provided, single submitter. Criteria: GeneDx Variant Classification (06012015). Collection method: clinical testing. Allele origin: germline. Affected: yes.
Comment: This variant is considered likely benign or benign based on one or more of the following criteria: it is a conservative change, it occurs at a poorly conserved position in the protein, it is predicted to be benign by multiple in silico algorithms, and/or has population frequency not consistent with disease.

Biesecker Lab/Clinical Genomics Section, National Institutes of Health
Classification: Uncertain significance. Last evaluated: 2013-06-24. Review status: criteria provided, single submitter. Criteria: Ng et al. (Circ Cardiovasc Genet. 2013). Collection method: research. Allele origin: unknown. Observed: 1 variant allele. Study: ClinSeq.
Comment: The study set was not selected for affection status in relation to any cancer. Pathogenicity categories were based on literature curation. See Pubmed ID:23861362 for details.

Medical sequencing

Literature cited by the submitters: PubMed 23861362 (cited by Ambry Genetics).

NM_001267550.2(TTN):c.94016C>T (p.Thr31339Ile)

Genes: TTN (titin; minus strand), TTN-AS1 (TTN antisense RNA 1; plus strand). Cytogenetic location: 2q31.2.
Variant type: single nucleotide variant.
Coding change: c.94016C>T on transcript NM_001267550.2 (MANE Select); coding-DNA position 94016, C replaced by T.
Protein change: p.Thr31339Ile; replaces threonine 31339 with isoleucine.
Molecular consequence: missense variant.
Genome position (GRCh38, 1-based): chr2:178,547,610, G>A on the plus strand (C>T on the coding strand, the complement: TTN is on the minus strand). VCF-style: chr2-178547610-G-A. GRCh37 (hg19) VCF-style: chr2-179412337-G-A.
Other names: c.89093C>T, p.Thr29698Ile (NM_001256850.1); c.66821C>T, p.Thr22274Ile (NM_003319.4); c.86312C>T, p.Thr28771Ile (NM_133378.4); c.67196C>T, p.Thr22399Ile (NM_133432.3); c.67397C>T, p.Thr22466Ile (NM_133437.4); short protein forms T28771I, T31339I, T29698I, T22274I, T22466I, T22399I.
Identifiers: ClinVar variation 191850 (VCV000191850.23), dbSNP rs184078016, ClinGen allele CA237695.